The following is an entry in ClinVar:

ClinVar aggregate classification (germline): Uncertain significance (1 of 4 stars; one submission).

Conditions:
Capillary malformation-arteriovenous malformation syndrome. Also called: Capillary malformation-arteriovenous malformation. Identifiers: Orphanet 137667, MedGen C1842180, MONDO:0012016.

Submission:

Labcorp Genetics (formerly Invitae), Labcorp
Classification: Uncertain significance for Capillary malformation-arteriovenous malformation syndrome. Last evaluated: 2024-08-11. Review status: criteria provided, single submitter. Criteria: Invitae Variant Classification Sherloc (09022015). Collection method: clinical testing. Allele origin: germline.
Comment: This sequence change replaces valine, which is neutral and non-polar, with leucine, which is neutral and non-polar, at codon 944 of the RASA1 protein (p.Val944Leu). This variant is not present in population databases (gnomAD no frequency). This variant has not been reported in the literature in individuals affected with RASA1-related conditions. An algorithm developed to predict the effect of missense changes on protein structure and function (PolyPhen-2) suggests that this variant is likely to be disruptive. In summary, the available evidence is currently insufficient to determine the role of this variant in disease. Therefore, it has been classified as a Variant of Uncertain Significance.

NM_002890.3(RASA1):c.2830G>C (p.Val944Leu)

Genes: CCNH (cyclin H; minus strand), RASA1 (RAS p21 protein activator 1; plus strand). Cytogenetic location: 5q14.3.
Variant type: single nucleotide variant.
Coding change: c.2830G>C on transcript NM_002890.3 (MANE Select); coding-DNA position 2830, G replaced by C.
Protein change: p.Val944Leu; replaces valine 944 with leucine.
Molecular consequence: missense variant. On other transcripts: intron variant (1).
Genome position (GRCh38, 1-based): chr5:87,385,372, G>C. VCF-style: chr5-87385372-G-C. GRCh37 (hg19) VCF-style: chr5-86681189-G-C.
Other names: c.2299G>C, p.Val767Leu (NM_022650.3); c.933+9672C>G (NM_001364075.2); short protein forms V767L, V944L.
Identifiers: ClinVar variation 3662037 (VCV003662037.2).